The following is an entry in ClinVar:

NM_152383.5(DIS3L2):c.85G>T (p.Gly29Cys)

Gene: DIS3L2 (DIS3 like 3'-5' exoribonuclease 2; plus strand). Cytogenetic location: 2q37.1.
Variant type: single nucleotide variant.
Coding change: c.85G>T on transcript NM_152383.5 (MANE Select); coding-DNA position 85, G replaced by T.
Protein change: p.Gly29Cys; replaces glycine 29 with cysteine.
Molecular consequence: missense variant. On other transcripts: non-coding transcript variant (2).
Genome position (GRCh38, 1-based): chr2:232,015,546, G>T. VCF-style: chr2-232015546-G-T. GRCh37 (hg19) VCF-style: chr2-232880256-G-T.
Other names: c.85G>T, p.Gly29Cys (NM_001257281.2, NM_001257282.2); short protein forms G29C.
Identifiers: ClinVar variation 3000043 (VCV003000043.4), dbSNP rs779277888, ClinGen allele CA351151870.

ClinVar aggregate classification (germline): Uncertain significance. Review status: criteria provided, multiple submitters, no conflicts (2 of 4 stars). 2 submissions from 2 submitters: Uncertain significance (2). Last evaluated 2025-08-07.

Conditions:
Perlman syndrome (PRLMNS). Identifiers: Orphanet 2849, MedGen C0796113, MONDO:0009965, OMIM 267000.
Inborn genetic diseases. Identifiers: MedGen C0950123, MeSH D030342.

gnomAD v4.1: 1 of 1,613,986 alleles (0.000062%); highest among the groups gnomAD compares: Non-Finnish European, 0.000085%; no homozygotes.

Submissions (2):

Ambry Genetics
Classification: Uncertain significance for Inborn genetic diseases. Last evaluated: 2025-08-07. Review status: criteria provided, single submitter. Criteria: Ambry Variant Classification Scheme 2023. Collection method: clinical testing. Allele origin: germline.

Labcorp Genetics (formerly Invitae), Labcorp
Classification: Uncertain significance for Perlman syndrome. Last evaluated: 2025-03-17. Review status: criteria provided, single submitter. Criteria: Invitae Variant Classification Sherloc (09022015). Collection method: clinical testing. Allele origin: germline.
Comment: This sequence change replaces glycine, which is neutral and non-polar, with cysteine, which is neutral and slightly polar, at codon 29 of the DIS3L2 protein (p.Gly29Cys). This variant is not present in population databases (gnomAD no frequency). This variant has not been reported in the literature in individuals affected with DIS3L2-related conditions. ClinVar contains an entry for this variant (Variation ID: 3000043). An algorithm developed to predict the effect of missense changes on protein structure and function (PolyPhen-2) suggests that this variant is likely to be disruptive. In summary, the available evidence is currently insufficient to determine the role of this variant in disease. Therefore, it has been classified as a Variant of Uncertain Significance.